The following is an entry in ClinVar:

NM_005465.7(AKT3):c.819+189G>A

Gene: AKT3 (AKT serine/threonine kinase 3; minus strand). Cytogenetic location: 1q44.
Variant type: single nucleotide variant.
Coding change: c.819+189G>A on transcript NM_005465.7 (MANE Select); 189 bases into the intron after coding-DNA position 819, G replaced by A.
Molecular consequence: intron variant.
Genome position (GRCh38, 1-based): chr1:243,572,737, C>T on the plus strand (G>A on the coding strand, the complement: AKT3 is on the minus strand). VCF-style: chr1-243572737-C-T. GRCh37 (hg19) VCF-style: chr1-243736039-C-T.
Other names: c.819+189G>A (NM_181690.2, NM_001370074.1, NM_001206729.2).
Identifiers: ClinVar variation 677547 (VCV000677547.2), dbSNP rs80149251, ClinGen allele CA41025840.
Genomic context (GRCh38, chr1:243,572,737, plus strand): 5'-AACATTTTTATTTGATCCAAGCAGTCGGGCAGAAATTGCTTTGCAAATCAAAAACTCACA[C>T]ATAAATCAACTACATACATGTTAGTGAATAAAATTTCCTTCAAATGTAGTGAACTAAATT-3'

ClinVar aggregate classification (germline): Likely benign (1 of 4 stars; one submission).

Allele frequency attached by ClinVar (database versions not stated): 1000 Genomes Project 0.01558; 1000 Genomes Project 30x 0.01577; gnomAD 0.02160 and 0.02174; TOPMed 0.02250.
gnomAD v4.1: 3,306 of 152,232 alleles (2.2%); highest among the groups gnomAD compares: Middle Eastern, 4.8%; 45 homozygotes.

Submissions (4):

GeneDx
Classification: Likely benign. Last evaluated: 2018-06-16. Review status: criteria provided, single submitter. Criteria: GeneDx Variant Classification (06012015). Collection method: clinical testing. Allele origin: germline. Affected: yes.
Comment: This variant is considered likely benign or benign based on one or more of the following criteria: it is a conservative change, it occurs at a poorly conserved position in the protein, it is predicted to be benign by multiple in silico algorithms, and/or has population frequency not consistent with disease.

Dr. Peter K. Rogan Lab, Western University
No classification provided (evidence only). Condition: Acute myeloid leukemia. Review status: no classification provided. Collection method: in vitro. Allele origin: not applicable. Functional consequence: retained intron. Not counted in ClinVar's aggregate classification.

Dr. Peter K. Rogan Lab, Western University
No classification provided (evidence only). Condition: Ovarian serous cystadenocarcinoma. Review status: no classification provided. Collection method: in vitro. Allele origin: not applicable. Functional consequence: retained intron. Not counted in ClinVar's aggregate classification.

Dr. Peter K. Rogan Lab, Western University
No classification provided (evidence only). Condition: Ovarian serous cystadenocarcinoma. Review status: no classification provided. Collection method: in vitro. Allele origin: not applicable. Functional consequence: retained intron. Not counted in ClinVar's aggregate classification.